The following is an entry in ClinVar:

NM_001854.4(COL11A1):c.2196+303A>T

Gene: COL11A1 (collagen type XI alpha 1 chain; minus strand). Cytogenetic location: 1p21.1.
Variant type: single nucleotide variant.
Coding change: c.2196+303A>T on transcript NM_001854.4 (MANE Select); 303 bases into the intron after coding-DNA position 2196, A replaced by T.
Molecular consequence: intron variant.
Genome position (GRCh38, 1-based): chr1:102,998,007, T>A on the plus strand (A>T on the coding strand, the complement: COL11A1 is on the minus strand). VCF-style: chr1-102998007-T-A. GRCh37 (hg19) VCF-style: chr1-103463563-T-A.
Other names: c.2079+303A>T (NM_001190709.2); c.2232+303A>T (NM_080629.3); c.1848+303A>T (NM_080630.4).
Identifiers: ClinVar variation 681293 (VCV000681293.1), dbSNP rs12743150, ClinGen allele CA27724356.

ClinVar aggregate classification (germline): Benign (1 of 4 stars; one submission).

Allele frequency attached by ClinVar (database versions not stated): gnomAD 0.03539 and 0.03642; TOPMed 0.03834; 1000 Genomes Project 30x 0.04872; 1000 Genomes Project 0.04992.
gnomAD v4.1: 5,497 of 151,780 alleles (3.6%); highest among the groups gnomAD compares: Middle Eastern, 9.2%; 134 homozygotes.

Submission:

GeneDx
Classification: Benign. Last evaluated: 2018-06-14. Review status: criteria provided, single submitter. Criteria: GeneDx Variant Classification (06012015). Collection method: clinical testing. Allele origin: germline. Affected: yes.
Comment: This variant is considered likely benign or benign based on one or more of the following criteria: it is a conservative change, it occurs at a poorly conserved position in the protein, it is predicted to be benign by multiple in silico algorithms, and/or has population frequency not consistent with disease.